The following is an entry in ClinVar:

NM_025215.6(PUS1):c.1076C>T (p.Ala359Val)

Gene: PUS1 (pseudouridine synthase 1; plus strand). Cytogenetic location: 12q24.33.
Variant type: single nucleotide variant.
Coding change: c.1076C>T on transcript NM_025215.6 (MANE Select); coding-DNA position 1076, C replaced by T.
Protein change: p.Ala359Val; replaces alanine 359 with valine.
Molecular consequence: missense variant.
Genome position (GRCh38, 1-based): chr12:131,941,823, C>T. VCF-style: chr12-131941823-C-T. GRCh37 (hg19) VCF-style: chr12-132426368-C-T.
Other names: c.992C>T, p.Ala331Val (NM_001002019.3, NM_001002020.3); short protein forms A331V, A359V.
Identifiers: ClinVar variation 764494 (VCV000764494.14), dbSNP rs142072030, ClinGen allele CA6884312.

ClinVar aggregate classification (germline): Likely benign. Review status: criteria provided, multiple submitters, no conflicts (2 of 4 stars). 4 submissions from 4 submitters: Likely benign (3). 1 of the submissions does not count toward it. Last evaluated 2026-01-13.

Conditions:
PUS1-related disorder. Also called: PUS1-related condition.
Inborn genetic diseases. Identifiers: MedGen C0950123, MeSH D030342.
Myopathy, lactic acidosis, and sideroblastic anemia 1 (MLASA1). Identifiers: Orphanet 2598, MedGen C4551958, MONDO:0024553, OMIM 600462.

Allele frequency attached by ClinVar (database versions not stated): gnomAD exomes 0.00008 and 0.00031; ESP Exome Variant Server 0.00015; TOPMed 0.00016; gnomAD 0.00017; 1000 Genomes Project 0.00020; 1000 Genomes Project 30x 0.00031; ExAC 0.00031.
gnomAD v4.1: 158 of 1,613,932 alleles (0.0098%); highest among the groups gnomAD compares: East Asian, 0.23%; 1 homozygote.

Submissions (4):

Labcorp Genetics (formerly Invitae), Labcorp
Classification: Likely benign. Last evaluated: 2026-01-13. Review status: criteria provided, single submitter. Criteria: Invitae Variant Classification Sherloc (09022015). Collection method: clinical testing. Allele origin: germline.

PreventionGenetics, part of Exact Sciences
Classification: Likely benign for PUS1-related condition. Last evaluated: 2025-06-25. Review status: criteria provided, single submitter. Criteria: ACMG Guidelines, 2015. Collection method: clinical testing. Allele origin: germline.
Comment: This variant is classified as likely benign based on ACMG/AMP sequence variant interpretation guidelines (Richards et al. 2015 PMID: 25741868, with internal and published modifications).

Ambry Genetics
Classification: Likely benign for Inborn genetic diseases. Last evaluated: 2025-01-17. Review status: criteria provided, single submitter. Criteria: Ambry Variant Classification Scheme 2023. Collection method: clinical testing. Allele origin: germline.

Natera, Inc.
Classification: Likely benign for Myopathy, lactic acidosis, and sideroblastic anemia 1. Last evaluated: 2020-05-20. Review status: no assertion criteria provided. Collection method: clinical testing. Allele origin: germline. Not counted in ClinVar's aggregate classification.